The following is an entry in ClinVar:

NM_005883.3(APC2):c.2998C>A (p.Gln1000Lys)

Gene: APC2 (APC regulator of Wnt signaling pathway 2; plus strand). Cytogenetic location: 19p13.3.
Variant type: single nucleotide variant.
Coding change: c.2998C>A on transcript NM_005883.3 (MANE Select); coding-DNA position 2998, C replaced by A.
Protein change: p.Gln1000Lys; replaces glutamine 1000 with lysine.
Molecular consequence: missense variant.
Genome position (GRCh38, 1-based): chr19:1,466,299, C>A. VCF-style: chr19-1466299-C-A. GRCh37 (hg19) VCF-style: chr19-1466298-C-A.
Other names: c.2995C>A, p.Gln999Lys (NM_001351273.1); short protein forms Q1000K, Q999K.
Identifiers: ClinVar variation 2631930 (VCV002631930.3), dbSNP rs189432097, ClinGen allele CA9045595.

ClinVar aggregate classification (germline): Uncertain significance. Review status: criteria provided, multiple submitters, no conflicts (2 of 4 stars). 2 submissions from 2 submitters: Uncertain significance (2). Last evaluated 2025-03-03.

Conditions:
APC2-related disorder. Also called: APC2-related condition; APC2-Related Disorders.
Inborn genetic diseases. Identifiers: MedGen C0950123, MeSH D030342.

Allele frequency attached by ClinVar (database versions not stated): 1000 Genomes Project 0.00040; 1000 Genomes Project 30x 0.00062; ExAC 0.00002; ESP Exome Variant Server 0.00018; gnomAD 0.00018; TOPMed 0.00020.
gnomAD v4.1: 53 of 1,536,094 alleles (0.0035%); highest among the groups gnomAD compares: African/African-American, 0.059%; no homozygotes.

Submissions (2):

Ambry Genetics
Classification: Uncertain significance for Inborn genetic diseases. Last evaluated: 2025-03-03. Review status: criteria provided, single submitter. Criteria: Ambry Variant Classification Scheme 2023. Collection method: clinical testing. Allele origin: germline.

PreventionGenetics, part of Exact Sciences
Classification: Uncertain significance for APC2-related condition. Last evaluated: 2023-06-08. Review status: criteria provided, single submitter. Criteria: ACMG Guidelines, 2015. Collection method: clinical testing. Allele origin: germline.
Comment: The APC2 c.2998C>A variant is predicted to result in the amino acid substitution p.Gln1000Lys. To our knowledge, this variant has not been reported in the literature. This variant is reported in 0.075% of alleles in individuals of African descent in gnomAD. At this time, the clinical significance of this variant is uncertain due to the absence of conclusive functional and genetic evidence.